The following is an entry in ClinVar:

NM_015215.4(CAMTA1):c.481T>G (p.Phe161Val)

Gene: CAMTA1 (calmodulin binding transcription activator 1; plus strand). Cytogenetic location: 1p36.23.
Variant type: single nucleotide variant.
Coding change: c.481T>G on transcript NM_015215.4 (MANE Select); coding-DNA position 481, T replaced by G.
Protein change: p.Phe161Val; replaces phenylalanine 161 with valine.
Molecular consequence: missense variant. On other transcripts: intron variant (1).
Genome position (GRCh38, 1-based): chr1:7,467,872, T>G. VCF-style: chr1-7467872-T-G. GRCh37 (hg19) VCF-style: chr1-7527932-T-G.
Other names: c.391T>G, p.Phe131Val (NM_001349608.2, NM_001349612.2); c.481T>G, p.Phe161Val (NM_001349609.2, NM_001349610.2, NM_001410737.1); c.439-172528T>G (NM_001410738.1); short protein forms F131V, F161V.
Identifiers: ClinVar variation 5033667 (VCV005033667.1).

ClinVar aggregate classification (germline): Uncertain significance (1 of 4 stars; one submission).

Conditions:
Inborn genetic diseases. Identifiers: MedGen C0950123, MeSH D030342.

Submission:

Ambry Genetics
Classification: Uncertain significance for Inborn genetic diseases. Last evaluated: 2026-08-18. Review status: criteria provided, single submitter. Criteria: Ambry Variant Classification Scheme 2023. Collection method: clinical testing. Allele origin: germline.
Comment: The c.481T>G (p.F161V) alteration is located in exon 6 (coding exon 6) of the CAMTA1 gene. This alteration results from a T to G substitution at nucleotide position 481, causing the phenylalanine (F) at amino acid position 161 to be replaced by a valine (V). This variant was not reported in population-based cohorts in the Genome Aggregation Database (gnomAD). This amino acid position is highly conserved in available vertebrate species. This alteration is predicted to be deleterious by in silico analysis. Based on insufficient or conflicting evidence, the clinical significance of this alteration remains unclear.